The following is an entry in ClinVar:

ClinVar aggregate classification (germline): Uncertain significance (1 of 4 stars; one submission).

gnomAD v4.1: 18 of 1,614,060 alleles (0.0011%); highest among the groups gnomAD compares: African/African-American, 0.0093%; no homozygotes.

Submission:

Women's Health and Genetics/Laboratory Corporation of America, LabCorp
Classification: Uncertain significance. Last evaluated: 2024-05-09. Review status: criteria provided, single submitter. Criteria: LabCorp Variant Classification Summary - May 2015. Collection method: clinical testing. Allele origin: germline.
Comment: Variant summary: ZNF335 c.1471G>A (p.Asp491Asn) results in a conservative amino acid change located in the Zinc finger C2H2-type domain (IPR013087) of the encoded protein sequence. Four of five in-silico tools predict a benign effect of the variant on protein function. The variant allele was found at a frequency of 1.2e-05 in 251400 control chromosomes. The available data on variant occurrences in the general population are insufficient to allow any conclusion about variant significance. To our knowledge, no occurrence of c.1471G>A in individuals affected with Microcephalic Primordial Dwarfism Due To ZNF335 Deficiency and no experimental evidence demonstrating its impact on protein function have been reported. No submitters have cited clinical-significance assessments for this variant to ClinVar. Based on the evidence outlined above, the variant was classified as uncertain significance.

NM_022095.4(ZNF335):c.1471G>A (p.Asp491Asn)

Gene: ZNF335 (zinc finger protein 335; minus strand). Cytogenetic location: 20q13.12.
Variant type: single nucleotide variant.
Coding change: c.1471G>A on transcript NM_022095.4 (MANE Select); coding-DNA position 1471, G replaced by A.
Protein change: p.Asp491Asn; replaces aspartic acid 491 with asparagine.
Molecular consequence: missense variant.
Genome position (GRCh38, 1-based): chr20:45,963,535, C>T on the plus strand (G>A on the coding strand, the complement: ZNF335 is on the minus strand). VCF-style: chr20-45963535-C-T. GRCh37 (hg19) VCF-style: chr20-44592174-C-T.
Other names: short protein forms D491N.
Identifiers: ClinVar variation 3336061 (VCV003336061.1).
Genomic context (GRCh38, chr20:45,963,535, plus strand): 5'-TGAGCGAGGACCAGCGGCGGGAACGATAGCTGCACTGCAGGCACTTGAAGAGCTGGGGAT[C>T]GCCAGCCTCATGGGAGTTGACGTGGAAGCGCAGGTCCTCGTGGGACAGAAAGCGAGAACC-3'
Protein context (NP_071378.1, residues 481-501): RFHVNSHEAG[Asp491Asn]PQLFKCLQCS